The following is an entry in ClinVar:

ClinVar aggregate classification (germline): Likely benign. Review status: criteria provided, single submitter (1 of 4 stars). 2 submissions from 2 submitters: Likely benign (1). 1 of the submissions does not count toward it. Last evaluated 2026-01-03.

Conditions:
NEB-related disorder. Also called: NEB-related condition; NEB-Related Disorders.
Nemaline myopathy 2 (NEM2). Also called: Nemaline myopathy 2, autosomal recessive. Identifiers: MedGen C1850569, MONDO:0009725, OMIM 256030.

Allele frequency attached by ClinVar (database versions not stated): gnomAD 0.00001; gnomAD exomes 0.00001 and 0.00004; TOPMed 0.00002.
gnomAD v4.1: 20 of 1,613,690 alleles (0.0012%); highest among the groups gnomAD compares: Admixed American, 0.015%; no homozygotes.

Submissions (2):

Labcorp Genetics (formerly Invitae), Labcorp
Classification: Likely benign for Nemaline myopathy 2. Last evaluated: 2026-01-03. Review status: criteria provided, single submitter. Criteria: Invitae Variant Classification Sherloc (09022015). Collection method: clinical testing. Allele origin: germline.

PreventionGenetics, part of Exact Sciences
Classification: Likely benign for NEB-related condition. Last evaluated: 2019-07-10. Review status: no assertion criteria provided. Collection method: clinical testing. Allele origin: germline. Not counted in ClinVar's aggregate classification.
Comment: This variant is classified as likely benign based on ACMG/AMP sequence variant interpretation guidelines (Richards et al. 2015 PMID: 25741868, with internal and published modifications).

NM_001164508.2(NEB):c.4326C>T (p.Ser1442=)

Gene: NEB (nebulin; minus strand). Cytogenetic location: 2q23.3.
Variant type: single nucleotide variant.
Coding change: c.4326C>T on transcript NM_001164508.2 (MANE Select); coding-DNA position 4326, C replaced by T.
Protein change: p.Ser1442=; no amino-acid change (serine 1442 retained).
Molecular consequence: synonymous variant.
Genome position (GRCh38, 1-based): chr2:151,671,203, G>A on the plus strand (C>T on the coding strand, the complement: NEB is on the minus strand). VCF-style: chr2-151671203-G-A. GRCh37 (hg19) VCF-style: chr2-152527717-G-A.
Other names: c.4326C>T, p.Ser1442= (NM_001164507.2, NM_001271208.2, NM_004543.5).
Identifiers: ClinVar variation 465605 (VCV000465605.13), dbSNP rs1196827078, ClinGen allele CA429242798.
Genomic context (GRCh38, chr2:151,671,203, plus strand): 5'-TTTCTTGACCTTCTCCACCTCCAGGGAACCAATAGGGATCCATCCGATGCCCTTCAAGAA[G>A]CTGTTATACTCGTCTTTATACACATTCTGTAAAAGGGTAAGCTAATATGAGAAGATACCC-3'
Protein context (NP_001157980.2, residues 1432-1452): SDNVYKDEYN[Ser1442=]FLKGIGWIPI